The following is an entry in ClinVar:

NM_144999.4(LRRC45):c.1591G>T (p.Ala531Ser)

Gene: LRRC45 (leucine rich repeat containing 45; plus strand). Cytogenetic location: 17q25.3.
Variant type: single nucleotide variant.
Coding change: c.1591G>T on transcript NM_144999.4 (MANE Select); coding-DNA position 1591, G replaced by T.
Protein change: p.Ala531Ser; replaces alanine 531 with serine.
Molecular consequence: missense variant.
Genome position (GRCh38, 1-based): chr17:82,030,161, G>T. VCF-style: chr17-82030161-G-T. GRCh37 (hg19) VCF-style: chr17-79988037-G-T.
Other names: c.1591G>T (NM_144999.3); short protein forms A531S.
Identifiers: ClinVar variation 3540120 (VCV003540120.2).

ClinVar aggregate classification (germline): Uncertain significance. Review status: criteria provided, multiple submitters, no conflicts (2 of 4 stars). 2 submissions from 2 submitters: Uncertain significance (2). Last evaluated 2025-07-31.

Conditions:
LRRC45-related disorder. Also called: LRRC45-related condition.

gnomAD v4.1: 23 of 1,546,880 alleles (0.0015%); highest among the groups gnomAD compares: Non-Finnish European, 0.002%; no homozygotes.

Submissions (2):

PreventionGenetics, part of Exact Sciences
Classification: Uncertain significance for LRRC45-related condition. Last evaluated: 2025-07-31. Review status: criteria provided, single submitter. Criteria: ACMG Guidelines, 2015. Collection method: clinical testing. Allele origin: germline.
Comment: The LRRC45 c.1591G>T variant is predicted to result in the amino acid substitution p.Ala531Ser. To our knowledge, this variant has not been reported in the literature. This variant is reported in 0.0037% of alleles in individuals of European (Non-Finnish) descent in gnomAD. At this time, the clinical significance of this variant is uncertain due to the absence of conclusive functional and genetic evidence.

Ambry Genetics
Classification: Uncertain significance. Last evaluated: 2024-11-25. Review status: criteria provided, single submitter. Criteria: Ambry Variant Classification Scheme 2023. Collection method: clinical testing. Allele origin: germline.